The following is an entry in ClinVar:

NM_000059.4(BRCA2):c.4552del (p.Glu1518fs)

Gene: BRCA2 (BRCA2 DNA repair associated; plus strand). Cytogenetic location: 13q13.1.
Variant type: Deletion.
Coding change: c.4552del on transcript NM_000059.4 (MANE Select); coding-DNA position 4552, one base deleted (G; older notation c.4552delG).
Protein change: p.Glu1518fs; shifts the reading frame from glutamic acid 1518.
Molecular consequence: frameshift variant.
Genome position (GRCh38, 1-based): chr13:32,338,907, G deleted. VCF-style (leftmost placement, unchanged base first): chr13-32338906-AG-A. GRCh37 (hg19) VCF-style: chr13-32913043-AG-A.
Other names: 4780delG; c.4552delG (NM_000059.3).
Identifiers: ClinVar variation 91822 (VCV000091822.38), dbSNP rs398122783, ClinGen allele CA020414.

ClinVar aggregate classification (germline): Pathogenic. Review status: reviewed by expert panel (3 of 4 stars). 17 submissions from 17 submitters: Pathogenic (1). 16 of the submissions do not count toward it. Last evaluated 2016-09-08.

Conditions:
Breast-ovarian cancer, familial, susceptibility to, 2 (BROVCA2). Also called: BRCA2 Hereditary Breast and Ovarian Cancer. Identifiers: Orphanet 145, MedGen C2675520, MONDO:0012933, OMIM 612555. Disease mechanism: loss of function.
BRCA2-related disorder. Also called: BRCA2-related condition; BRCA2-related disorders. Identifiers: MedGen CN239275.
Hereditary cancer-predisposing syndrome. Also called: Hereditary neoplastic syndrome; Hereditary Cancer Syndrome; Neoplastic Syndromes, Hereditary; Tumor predisposition. Identifiers: Orphanet 140162, MedGen C0027672, MeSH D009386, MONDO:0015356.
Hereditary breast ovarian cancer syndrome. Also called: Hereditary breast and ovarian cancer syndrome; Breast and ovarian cancer; BRCA1- and BRCA2-Associated Hereditary Breast and Ovarian Cancer; Hereditary breast and ovarian cancer syndrome (HBOC); Hereditary breast and ovarian cancer; Hereditary breast and/or ovarian cancer syndrome. Identifiers: Orphanet 145, MedGen C0677776, MeSH D061325, MONDO:0003582. Disease mechanism: loss of function.
Familial cancer of breast. Also called: BREAST CANCER, FAMILIAL; hereditary breast carcinoma; Hereditary breast cancer. Identifiers: Orphanet 227535, MedGen C0346153, MONDO:0016419, OMIM 114480. Disease mechanism: loss of function.
Malignant tumor of breast. Also called: Malignant breast neoplasm; Cancer breast. Identifiers: MedGen C0006142, MONDO:0007254. Disease mechanism: loss of function.
Fanconi anemia complementation group D1. Also called: BRCA2-Related Fanconi Anemia. Identifiers: Orphanet 319462, MedGen C1838457, MONDO:0011584, OMIM 605724.
Medulloblastoma (MDB). Also called: Medulloblastoma, somatic; MEDULLOBLASTOMA PREDISPOSITION SYNDROME. Identifiers: Orphanet 616, MedGen C0025149, MeSH D008527, MONDO:0007959, OMIM 155255, HP:0002885.
Pancreatic cancer, susceptibility to, 2. Identifiers: Orphanet 1333, MedGen C3150546, MONDO:0013235, OMIM 613347.
Glioma susceptibility 3 (GLM3). Also called: Glioblastoma 3. Identifiers: Orphanet 182067, Orphanet 360, MedGen C2751641, MONDO:0013093, OMIM 613029.
Familial prostate cancer. Also called: Hereditary Prostate Cancer. Identifiers: MedGen C2931456, MONDO:0700275, OMIM 176807.
Wilms tumor 1 (WT1). Also called: Wilms tumor, somatic. Identifiers: Orphanet 654, MedGen CN033288, MONDO:0008679, OMIM 194070.

Allele frequency attached by ClinVar (database versions not stated): gnomAD 0.00001; TOPMed 0.00001.

Submissions 1 to 10 of 17:

Evidence-based Network for the Interpretation of Germline Mutant Alleles (ENIGMA)
Classification: Pathogenic for Breast-ovarian cancer, familial, susceptibility to, 2. Last evaluated: 2016-09-08. Review status: reviewed by expert panel. Criteria: ENIGMA BRCA1/2 Classification Criteria (2015). Collection method: curation. Allele origin: germline.
Comment: Variant allele predicted to encode a truncated non-functional protein.

PreventionGenetics, part of Exact Sciences
Classification: Pathogenic for BRCA2-related condition. Last evaluated: 2026-06-08. Review status: criteria provided, single submitter. Criteria: ACMG Guidelines, 2015. Collection method: clinical testing. Allele origin: germline. Not counted in ClinVar's aggregate classification.
Comment: The BRCA2 c.4552delG variant is predicted to result in a frameshift and premature protein termination (p.Glu1518Asnfs*25). This variant (also described as c.4780delG) has been reported in multiple individuals with breast or ovarian cancer (Malone et al. 2006. PubMed ID: 16912212. Table S2; Lee et al. 2008. PubMed ID: 18284688. Table S2; Lilyquist et al. 2017. PubMed ID: 28888541. Table S7; Table S3, Palmer et al. 2020. PubMed ID: 32427313). This variant is reported in 0.011% of alleles in individuals of African descent in gnomAD and is interpreted as pathogenic by multiple laboratories in ClinVar (Variation ID: 91822). Frameshift variants in BRCA2 are expected to be pathogenic. This variant is interpreted as pathogenic.

Labcorp Genetics (formerly Invitae), Labcorp
Classification: Pathogenic for Hereditary breast ovarian cancer syndrome. Last evaluated: 2025-10-01. Review status: criteria provided, single submitter. Criteria: Invitae Variant Classification Sherloc (09022015). Collection method: clinical testing. Allele origin: germline. Not counted in ClinVar's aggregate classification.
Comment: This sequence change creates a premature translational stop signal (p.Glu1518Asnfs*25) in the BRCA2 gene. It is expected to result in an absent or disrupted protein product. Loss-of-function variants in BRCA2 are known to be pathogenic (PMID: 20104584). This variant is present in population databases (rs398122783, gnomAD 0.01%). This premature translational stop signal has been observed in individual(s) with breast cancer (PMID: 16912212, 18284688). This variant is also known as 4780delG. ClinVar contains an entry for this variant (Variation ID: 91822). For these reasons, this variant has been classified as Pathogenic.

Ambry Genetics
Classification: Pathogenic for Hereditary cancer-predisposing syndrome. Last evaluated: 2025-05-06. Review status: criteria provided, single submitter. Criteria: Ambry Variant Classification Scheme 2023. Collection method: clinical testing. Allele origin: germline. Not counted in ClinVar's aggregate classification.
Comment: The c.4552delG (p.E1518Nfs*25) alteration, located in exon 11 (coding exon 10) of the BRCA2 gene, consists of a deletion of one nucleotide at position 4552, causing a translational frameshift with a predicted alternate stop codon after 25 amino acids. This alteration is expected to result in loss of function by premature protein truncation or nonsense-mediated mRNA decay. Based on data from gnomAD, this allele has an overall frequency of 0.003% (1/31392) total alleles studied. The highest observed frequency was 0.012% (1/8710) of African alleles. This alteration has been previously described in two different population-based North American breast cancer cohorts (Malone, 2006; Lee, 2008). Of note, this alteration has been designated 4780delG in the published literature. Based on the available evidence, this alteration is classified as pathogenic.

Fulgent Genetics
Classification: Pathogenic for Familial cancer of breast; Medulloblastoma; Familial prostate cancer; Wilms tumor 1; Fanconi anemia complementation group D1; Breast-ovarian cancer, familial, susceptibility to, 2; Glioma susceptibility 3; Pancreatic cancer, susceptibility to, 2. Last evaluated: 2024-05-15. Review status: criteria provided, single submitter. Criteria: ACMG Guidelines, 2015. Collection method: clinical testing. Allele origin: germline. Not counted in ClinVar's aggregate classification.

Baylor Genetics
Classification: Pathogenic for Familial cancer of breast. Last evaluated: 2023-10-20. Review status: criteria provided, single submitter. Criteria: ACMG Guidelines, 2015. Collection method: clinical testing. Allele origin: unknown. Not counted in ClinVar's aggregate classification.

GeneDx
Classification: Pathogenic. Last evaluated: 2023-04-20. Review status: criteria provided, single submitter. Criteria: GeneDx Variant Classification Process June 2021. Collection method: clinical testing. Allele origin: germline. Affected: yes. Not counted in ClinVar's aggregate classification.
Comment: Frameshift variant predicted to result in protein truncation or nonsense mediated decay in a gene for which loss of function is a known mechanism of disease; Observed in individuals with a personal and/or family history of BRCA2-related cancers (Malone et al., 2006; Rebbeck et al., 2018; Palmer et al., 2020); Not observed at significant frequency in large population cohorts (gnomAD); Truncating variants in this gene are considered pathogenic by a well-established clinical consortium and/or database; Also known as 4780del; This variant is associated with the following publications: (PMID: 28888541, 16912212, 28152038, 30720243, 31447099, 32561076, 30541753, 31853058, 31112363, 18284688, 29446198, 32427313, 11802209)

Women's Health and Genetics/Laboratory Corporation of America, LabCorp
Classification: Pathogenic for Hereditary breast and ovarian cancer syndrome. Last evaluated: 2020-06-21. Review status: criteria provided, single submitter. Criteria: LabCorp Variant Classification Summary - May 2015. Collection method: clinical testing. Allele origin: germline. Not counted in ClinVar's aggregate classification.
Comment: Variant summary: BRCA2 c.4552delG (p.Glu1518AsnfsX25) results in a premature termination codon, predicted to cause a truncation of the encoded protein or absence of the protein due to nonsense mediated decay, which are commonly known mechanisms for disease. Truncations downstream of this position have been classified as pathogenic by our laboratory. The variant allele was found at a frequency of 4e-06 in 251858 control chromosomes. c.4552delG has been reported in the literature in multiple individuals affected with Hereditary Breast And Ovarian Cancer Syndrome (example, Malone_2006, Lee_2008, Meindl_2002, Rebbeck_2018, Friebel_2019). These data indicate that the variant is very likely to be associated with disease. To our knowledge, no experimental evidence demonstrating an impact on protein function has been reported. Seven clinical diagnostic laboratories and one expert panel (ENIGMA) have submitted clinical-significance assessments for this variant to ClinVar after 2014 without evidence for independent evaluation. All laboratories classified the variant as pathogenic (n=7)/likely pathogenic(n=1). Based on the evidence outlined above, the variant was classified as pathogenic.

Color Diagnostics, LLC DBA Color Health
Classification: Pathogenic for Hereditary cancer-predisposing syndrome. Last evaluated: 2020-01-15. Review status: criteria provided, single submitter. Criteria: ACMG Guidelines, 2015. Collection method: clinical testing. Allele origin: germline. Not counted in ClinVar's aggregate classification.
Comment: This variant deletes 1 nucleotide in exon 11 of the BRCA2 gene, creating a frameshift and premature translation stop signal. This variant is expected to result in an absent or non-functional protein product. This variant has been identified in 1/31392 chromosomes in the general population by the Genome Aggregation Database (gnomAD). Loss of BRCA2 function is a known mechanism of disease. Based on the available evidence, this variant is classified as Pathogenic.

Revvity Omics, Revvity
Classification: Pathogenic. Last evaluated: 2019-06-04. Review status: criteria provided, single submitter. Criteria: ACMG Guidelines, 2015. Collection method: clinical testing. Allele origin: germline. Not counted in ClinVar's aggregate classification.